The following is an entry in ClinVar:

ClinVar aggregate classification (germline): Uncertain significance (1 of 4 stars; one submission).

Conditions:
Inflammatory bowel disease 28. Also called: Inflammatory bowel disease 28, early onset, autosomal recessive. Identifiers: Orphanet 238569, MedGen C2751053, MONDO:0013153, OMIM 613148.

Submission:

Labcorp Genetics (formerly Invitae), Labcorp
Classification: Uncertain significance for Inflammatory bowel disease 28. Last evaluated: 2020-12-05. Review status: criteria provided, single submitter. Criteria: Invitae Variant Classification Sherloc (09022015). Collection method: clinical testing. Allele origin: germline.
Comment: Algorithms developed to predict the effect of missense changes on protein structure and function are either unavailable or do not agree on the potential impact of this missense change (SIFT: "Deleterious"; PolyPhen-2: "Probably Damaging"; Align-GVGD: "Class C15"). This variant has not been reported in the literature in individuals with IL10RA-related conditions. This variant is not present in population databases (ExAC no frequency). This sequence change replaces serine with cysteine at codon 370 of the IL10RA protein (p.Ser370Cys). The serine residue is highly conserved and there is a moderate physicochemical difference between serine and cysteine. In summary, the available evidence is currently insufficient to determine the role of this variant in disease. Therefore, it has been classified as a Variant of Uncertain Significance.

NM_001558.4(IL10RA):c.1108A>T (p.Ser370Cys)

Gene: IL10RA (interleukin 10 receptor subunit alpha; plus strand). Cytogenetic location: 11q23.3.
Variant type: single nucleotide variant.
Coding change: c.1108A>T on transcript NM_001558.4 (MANE Select); coding-DNA position 1108, A replaced by T.
Protein change: p.Ser370Cys; replaces serine 370 with cysteine.
Molecular consequence: missense variant. On other transcripts: non-coding transcript variant (1).
Genome position (GRCh38, 1-based): chr11:117,999,012, A>T. VCF-style: chr11-117999012-A-T. GRCh37 (hg19) VCF-style: chr11-117869727-A-T.
Other names: short protein forms S370C.
Identifiers: ClinVar variation 1395557 (VCV001395557.8), dbSNP rs2134996112, ClinGen allele CA382779692.